The following is an entry in ClinVar:

ClinVar aggregate classification (germline): Benign/Likely benign. Review status: criteria provided, multiple submitters, no conflicts (2 of 4 stars). 3 submissions from 3 submitters: Benign (1); Likely benign (2). Last evaluated 2025-12-30.

Allele frequency attached by ClinVar (database versions not stated): ESP Exome Variant Server 0.00092; gnomAD 0.00097 and 0.00105; TOPMed 0.00112; 1000 Genomes Project 0.00120; 1000 Genomes Project 30x 0.00141.
gnomAD v4.1: 286 of 1,598,628 alleles (0.018%); highest among the groups gnomAD compares: African/African-American, 0.33%; 1 homozygote.

Submissions (3):

Labcorp Genetics (formerly Invitae), Labcorp
Classification: Benign. Last evaluated: 2025-12-30. Review status: criteria provided, single submitter. Criteria: Invitae Variant Classification Sherloc (09022015). Collection method: clinical testing. Allele origin: germline.

Blueprint Genetics
Classification: Likely benign. Last evaluated: 2024-02-20. Review status: criteria provided, single submitter. Criteria: ACMG Guidelines, 2015. Collection method: clinical testing. Allele origin: germline.

GeneDx
Classification: Likely benign. Last evaluated: 2016-07-08. Review status: criteria provided, single submitter. Criteria: GeneDx Variant Classification (06012015). Collection method: clinical testing. Allele origin: germline. Affected: yes.
Comment: This variant is considered likely benign or benign based on one or more of the following criteria: it is a conservative change, it occurs at a poorly conserved position in the protein, it is predicted to be benign by multiple in silico algorithms, and/or has population frequency not consistent with disease.

NM_001349.4(DARS1):c.822G>A (p.Ala274=)

Gene: DARS1 (aspartyl-tRNA synthetase 1; minus strand). Cytogenetic location: 2q21.3.
Variant type: single nucleotide variant.
Coding change: c.822G>A on transcript NM_001349.4 (MANE Select); coding-DNA position 822, G replaced by A.
Protein change: p.Ala274=; no amino-acid change (alanine 274 retained).
Molecular consequence: synonymous variant.
Genome position (GRCh38, 1-based): chr2:135,920,590, C>T on the plus strand (G>A on the coding strand, the complement: DARS1 is on the minus strand). VCF-style: chr2-135920590-C-T. GRCh37 (hg19) VCF-style: chr2-136678160-C-T.
Other names: c.522G>A, p.Ala174= (NM_001293312.1).
Identifiers: ClinVar variation 387255 (VCV000387255.10), dbSNP rs112205661, ClinGen allele CA1889652.